The following is an entry in ClinVar:

ClinVar aggregate classification (germline): Uncertain significance (1 of 4 stars; one submission).

Conditions:
Hereditary cancer-predisposing syndrome. Also called: Tumor predisposition; Hereditary neoplastic syndrome; Hereditary Cancer Syndrome; Neoplastic Syndromes, Hereditary. Identifiers: Orphanet 140162, MedGen C0027672, MeSH D009386, MONDO:0015356.

Submission:

Ambry Genetics
Classification: Uncertain significance for Hereditary cancer-predisposing syndrome. Last evaluated: 2024-02-15. Review status: criteria provided, single submitter. Criteria: Ambry Variant Classification Scheme 2023. Collection method: clinical testing. Allele origin: germline.
Comment: The p.A293E variant (also known as c.878C>A), located in coding exon 8 of the BMPR1A gene, results from a C to A substitution at nucleotide position 878. The alanine at codon 293 is replaced by glutamic acid, an amino acid with dissimilar properties. This amino acid position is highly conserved in available vertebrate species. In addition, this alteration is predicted to be deleterious by in silico analysis. Based on the available evidence, the clinical significance of this alteration remains unclear.

NM_004329.3(BMPR1A):c.878C>A (p.Ala293Glu)

Gene: BMPR1A (bone morphogenetic protein receptor type 1A; plus strand). Cytogenetic location: 10q23.2.
Variant type: single nucleotide variant.
Coding change: c.878C>A on transcript NM_004329.3 (MANE Select); coding-DNA position 878, C replaced by A.
Protein change: p.Ala293Glu; replaces alanine 293 with glutamic acid.
Molecular consequence: missense variant. On other transcripts: non-coding transcript variant (3).
Genome position (GRCh38, 1-based): chr10:86,919,181, C>A. VCF-style: chr10-86919181-C-A. GRCh37 (hg19) VCF-style: chr10-88678938-C-A.
Other names: c.953C>A, p.Ala318Glu (NM_001406559.1); c.926C>A, p.Ala309Glu (NM_001406560.1); c.878C>A, p.Ala293Glu (NM_001406561.1, NM_001406562.1, NM_001406563.1 and 19 more transcripts); c.872C>A, p.Ala291Glu (NM_001406583.1); c.794C>A, p.Ala265Glu (NM_001406584.1, NM_001406585.1, NM_001406586.1 and 2 more transcripts); c.536C>A, p.Ala179Glu (NM_001406589.1); short protein forms A179E, A265E, A291E, A293E, A309E, A318E.
Identifiers: ClinVar variation 3223974 (VCV003223974.1), dbSNP rs1589291509, ClinGen allele CA377459794.